The following is an entry in ClinVar:

NM_003000.3(SDHB):c.41C>A (p.Pro14Gln)

Gene: SDHB (succinate dehydrogenase complex iron sulfur subunit B; minus strand). Cytogenetic location: 1p36.13.
Variant type: single nucleotide variant.
Coding change: c.41C>A on transcript NM_003000.3 (MANE Select); coding-DNA position 41, C replaced by A.
Protein change: p.Pro14Gln; replaces proline 14 with glutamine.
Molecular consequence: missense variant.
Genome position (GRCh38, 1-based): chr1:17,053,979, G>T on the plus strand (C>A on the coding strand, the complement: SDHB is on the minus strand). VCF-style: chr1-17053979-G-T. GRCh37 (hg19) VCF-style: chr1-17380474-G-T.
Other names: short protein forms P14Q.
Identifiers: ClinVar variation 1349487 (VCV001349487.8), dbSNP rs764089231, ClinGen allele CA338230756.

ClinVar aggregate classification (germline): Uncertain significance (1 of 4 stars; one submission).

Conditions:
Gastrointestinal stromal tumor. Also called: Gastrointestinal stroma tumor; Gastrointestinal stromal tumor, somatic. Identifiers: Orphanet 44890, MedGen C0238198, MeSH D046152, MONDO:0011719, OMIM 606764, HP:0100723.
Pheochromocytoma/paraganglioma syndrome 4. Also called: SDHB-Related Hereditary Paraganglioma-Pheochromocytoma Syndrome (Paragangliomas 4); Paragangliomas 4; SDHB-Related Hereditary Paraganglioma-Pheochromocytoma Syndrome; CAROTID BODY TUMORS AND MULTIPLE EXTRAADRENAL PHEOCHROMOCYTOMAS; PARAGANGLIOMA, FAMILIAL MALIGNANT; PARAGANGLIOMAS, HEREDITARY EXTRAADRENAL. Identifiers: Orphanet 29072, MedGen C1861848, MONDO:0007273, OMIM 115310.
Pheochromocytoma. Also called: MAX-Related Hereditary Paraganglioma-Pheochromocytoma Syndrome. Identifiers: Orphanet 29072, MedGen C0031511, MONDO:0008233, OMIM 171300, HP:0002666.

Submission:

Labcorp Genetics (formerly Invitae), Labcorp
Classification: Uncertain significance for Gastrointestinal stromal tumor; Pheochromocytoma/paraganglioma syndrome 4; Pheochromocytoma. Last evaluated: 2023-05-22. Review status: criteria provided, single submitter. Criteria: Invitae Variant Classification Sherloc (09022015). Collection method: clinical testing. Allele origin: germline.
Comment: In summary, the available evidence is currently insufficient to determine the role of this variant in disease. Therefore, it has been classified as a Variant of Uncertain Significance. Advanced modeling of protein sequence and biophysical properties (such as structural, functional, and spatial information, amino acid conservation, physicochemical variation, residue mobility, and thermodynamic stability) performed at Invitae indicates that this missense variant is not expected to disrupt SDHB protein function. ClinVar contains an entry for this variant (Variation ID: 1349487). This variant has not been reported in the literature in individuals affected with SDHB-related conditions. This variant is not present in population databases (gnomAD no frequency). This sequence change replaces proline, which is neutral and non-polar, with glutamine, which is neutral and polar, at codon 14 of the SDHB protein (p.Pro14Gln).